The following is an entry in ClinVar:

NM_000295.5(SERPINA1):c.27C>T (p.Ile9=)

Gene: SERPINA1 (serpin family A member 1; minus strand). Cytogenetic location: 14q32.13.
Variant type: single nucleotide variant.
Coding change: c.27C>T on transcript NM_000295.5 (MANE Select); coding-DNA position 27, C replaced by T.
Protein change: p.Ile9=; no amino-acid change (isoleucine 9 retained).
Molecular consequence: synonymous variant.
Genome position (GRCh38, 1-based): chr14:94,383,211, G>A on the plus strand (C>T on the coding strand, the complement: SERPINA1 is on the minus strand). VCF-style: chr14-94383211-G-A. GRCh37 (hg19) VCF-style: chr14-94849548-G-A.
Other names: c.27C>T, p.Ile9= (NM_001002235.3, NM_001002236.3, NM_001127700.2 and 7 more transcripts).
Identifiers: ClinVar variation 3057937 (VCV003057937.2), dbSNP rs11558260, ClinGen allele CA265864225.

ClinVar aggregate classification (germline): Likely benign (0 of 4 stars; one submission).

Conditions:
SERPINA1-related disorder. Also called: SerpinA1-related disorders; SERPINA1-related condition.

Allele frequency attached by ClinVar (database versions not stated): TOPMed below 0.00001; gnomAD 0.00001.
gnomAD v4.1: 2 of 1,613,686 alleles (0.00012%); highest among the groups gnomAD compares: Admixed American, 0.0017%; no homozygotes.

Submission:

PreventionGenetics, part of Exact Sciences
Classification: Likely benign for SERPINA1-related condition. Last evaluated: 2021-07-13. Review status: no assertion criteria provided. Collection method: clinical testing. Allele origin: germline.
Comment: This variant is classified as likely benign based on ACMG/AMP sequence variant interpretation guidelines (Richards et al. 2015 PMID: 25741868, with internal and published modifications).